The following is an entry in ClinVar:

ClinVar aggregate classification (germline): Uncertain significance (1 of 4 stars; one submission).

Allele frequency attached by ClinVar (database versions not stated): gnomAD exomes below 0.00001; TOPMed below 0.00001.
gnomAD v4.1: 6 of 1,614,168 alleles (0.00037%); highest among the groups gnomAD compares: Non-Finnish European, 0.00051%; no homozygotes.

Submission:

Ambry Genetics
Classification: Uncertain significance. Last evaluated: 2024-01-16. Review status: criteria provided, single submitter. Criteria: Ambry Variant Classification Scheme 2023. Collection method: clinical testing. Allele origin: germline.
Comment: The p.R1252K variant (also known as c.3755G>A), located in coding exon 17 of the NPAT gene, results from a G to A substitution at nucleotide position 3755. The arginine at codon 1252 is replaced by lysine, an amino acid with highly similar properties. This amino acid position is conserved. In addition, this alteration is predicted to be tolerated by in silico analysis. Since supporting evidence is limited at this time, the clinical significance of this alteration remains unclear.

NM_002519.3(NPAT):c.3755G>A (p.Arg1252Lys)

Gene: NPAT (nuclear protein, coactivator of histone transcription; minus strand). Cytogenetic location: 11q22.3.
Variant type: single nucleotide variant.
Coding change: c.3755G>A on transcript NM_002519.3 (MANE Select); coding-DNA position 3755, G replaced by A.
Protein change: p.Arg1252Lys; replaces arginine 1252 with lysine.
Molecular consequence: missense variant.
Genome position (GRCh38, 1-based): chr11:108,161,331, C>T on the plus strand (G>A on the coding strand, the complement: NPAT is on the minus strand). VCF-style: chr11-108161331-C-T. GRCh37 (hg19) VCF-style: chr11-108032058-C-T.
Other names: c.3776G>A, p.Arg1259Lys (NM_001321307.1); short protein forms R1259K, R1252K.
Identifiers: ClinVar variation 1734596 (VCV001734596.2), dbSNP rs908800829, ClinGen allele CA228373549.